The following is an entry in ClinVar:

NM_000458.4(HNF1B):c.972C>A (p.His324Gln)

Gene: HNF1B (HNF1 homeobox B; minus strand). Cytogenetic location: 17q12.
Variant type: single nucleotide variant.
Coding change: c.972C>A on transcript NM_000458.4 (MANE Select); coding-DNA position 972, C replaced by A.
Protein change: p.His324Gln; replaces histidine 324 with glutamine.
Molecular consequence: missense variant.
Genome position (GRCh38, 1-based): chr17:37,731,668, G>T on the plus strand (C>A on the coding strand, the complement: HNF1B is on the minus strand). VCF-style: chr17-37731668-G-T. GRCh37 (hg19) VCF-style: chr17-36091659-G-T.
Other names: c.894C>A, p.His298Gln (NM_001165923.4, NM_001304286.2); c.972C>A, p.His324Gln (NM_001411100.1); short protein forms H298Q, H324Q.
Identifiers: ClinVar variation 1802666 (VCV001802666.1), dbSNP rs753631084, ClinGen allele CA8518964.

ClinVar aggregate classification (germline): Uncertain risk allele (1 of 4 stars; one submission).

Conditions:
Maturity-onset diabetes of the young (MODY). Also called: Maturity onset diabetes mellitus in young. Identifiers: Orphanet 552, MedGen C0342276, MONDO:0018911, HP:0004904.

Allele frequency attached by ClinVar (database versions not stated): ExAC 0.00002.
gnomAD v4.1: 4 of 1,614,126 alleles (0.00025%); highest among the groups gnomAD compares: Admixed American, 0.0067%; no homozygotes.

Submission:

Clinical Genomics, Uppaluri K&H Personalized Medicine Clinic
Classification: Uncertain risk allele for Maturity-onset diabetes of the young. Review status: criteria provided, single submitter. Criteria: K & H Uppaluri Personalized Medicine Clinic Variant Classification & Assertion Criteria_Updated V.1. Collection method: research. Allele origin: unknown. Inheritance: Autosomal dominant inheritance.
Comment: HNF1B gene mutations are associated with early onset diabetes and pancreatic atrophy. It is also associated with multiple renal manifestations including renal cysts, Tubulointerstitial disease, glomerulocystic disease, renal hypoplasia, hypomagnesemia. However no sufficient evidence is found to ascertain the role of this particular variant rs753631084, yet.

Literature cited by the submitters: PubMed 24897035; PubMed 25536396; PubMed 27615128; PubMed 28215227; PubMed 33434175; PubMed 25741167; PubMed 26340261; PubMed 19639018.